The following is an entry in ClinVar:

NM_025099.6(CTC1):c.233G>A (p.Arg78His)

Gene: CTC1 (CST telomere replication complex component 1; minus strand). Cytogenetic location: 17p13.1.
Variant type: single nucleotide variant.
Coding change: c.233G>A on transcript NM_025099.6 (MANE Select); coding-DNA position 233, G replaced by A.
Protein change: p.Arg78His; replaces arginine 78 with histidine.
Molecular consequence: missense variant. On other transcripts: non-coding transcript variant (1).
Genome position (GRCh38, 1-based): chr17:8,238,594, C>T on the plus strand (G>A on the coding strand, the complement: CTC1 is on the minus strand). VCF-style: chr17-8238594-C-T. GRCh37 (hg19) VCF-style: chr17-8141912-C-T.
Other names: short protein forms R78H.
Identifiers: ClinVar variation 697630 (VCV000697630.42), dbSNP rs369627256, ClinGen allele CA8372671.

ClinVar aggregate classification (germline): Benign/Likely benign. Review status: criteria provided, multiple submitters, no conflicts (2 of 4 stars). 7 submissions from 7 submitters: Benign (2); Likely benign (4). 1 of the submissions does not count toward it. Last evaluated 2026-01-28.

Conditions:
CTC1-related disorder. Also called: CTC1-related condition.
Cerebroretinal microangiopathy with calcifications and cysts 1 (CRMCC1). Identifiers: Orphanet 313838, MedGen C4552029, MONDO:0024564, OMIM 612199.
Inborn genetic diseases. Identifiers: MedGen C0950123, MeSH D030342.
Dyskeratosis congenita. Identifiers: Orphanet 1775, MedGen C0265965, MONDO:0015780.

Allele frequency attached by ClinVar (database versions not stated): 1000 Genomes Project 0.00100; 1000 Genomes Project 30x 0.00125; gnomAD 0.00001 and 0.00011; TOPMed 0.00003; ESP Exome Variant Server 0.00008; gnomAD exomes 0.00031 and 0.00069; ExAC 0.00078.
gnomAD v4.1: 464 of 1,612,526 alleles (0.029%); highest among the groups gnomAD compares: South Asian, 0.48%; 9 homozygotes.

Submissions (7):

Labcorp Genetics (formerly Invitae), Labcorp
Classification: Benign for Dyskeratosis congenita. Last evaluated: 2026-01-28. Review status: criteria provided, single submitter. Criteria: Invitae Variant Classification Sherloc (09022015). Collection method: clinical testing. Allele origin: germline.

CeGaT Center for Human Genetics Tuebingen
Classification: Likely benign. Last evaluated: 2026-01-01. Review status: criteria provided, single submitter. Criteria: CeGaT Center For Human Genetics Tuebingen Variant Classification Criteria Version 2. Collection method: clinical testing. Allele origin: germline. Affected: yes. Observed: 2 variant alleles.
Comment: CTC1: BP4

Blueprint Genetics
Classification: Likely benign. Last evaluated: 2024-11-27. Review status: criteria provided, single submitter. Criteria: ACMG Guidelines, 2015. Collection method: clinical testing. Allele origin: germline.

Ambry Genetics
Classification: Likely benign for Inborn genetic diseases. Last evaluated: 2024-05-06. Review status: criteria provided, single submitter. Criteria: Ambry Variant Classification Scheme 2023. Collection method: clinical testing. Allele origin: germline.

Genome-Nilou Lab
Classification: Benign for Cerebroretinal microangiopathy with calcifications and cysts 1. Last evaluated: 2021-07-15. Review status: criteria provided, single submitter. Criteria: ACMG Guidelines, 2015. Collection method: clinical testing. Allele origin: germline. Affected: no.

Illumina Laboratory Services, Illumina
Classification: Likely benign for Dyskeratosis congenita. Last evaluated: 2018-01-12. Review status: criteria provided, single submitter. Criteria: ICSL Variant Classification Criteria 13 December 2019. Collection method: clinical testing. Allele origin: germline.
Comment: This variant was observed in the ICSL laboratory as part of a predisposition screen in an ostensibly healthy population. It had not been previously curated by ICSL or reported in the Human Gene Mutation Database (HGMD: prior to June 1st, 2018), and was therefore a candidate for classification through an automated scoring system. Utilizing variant allele frequency, disease prevalence and penetrance estimates, and inheritance mode, an automated score was calculated to assess if this variant is too frequent to cause the disease. Based on the score and internal cut-off values, a variant classified as likely benign is not then subjected to further curation. The score for this variant resulted in a classification of likely benign for this disease.

PreventionGenetics, part of Exact Sciences
Classification: Likely benign for CTC1-related condition. Last evaluated: 2023-07-19. Review status: no assertion criteria provided. Collection method: clinical testing. Allele origin: germline. Not counted in ClinVar's aggregate classification.
Comment: This variant is classified as likely benign based on ACMG/AMP sequence variant interpretation guidelines (Richards et al. 2015 PMID: 25741868, with internal and published modifications).